The following is an entry in ClinVar:

ClinVar aggregate classification (germline): Uncertain significance. Review status: criteria provided, multiple submitters, no conflicts (2 of 4 stars). 2 submissions from 2 submitters: Uncertain significance (2). Last evaluated 2024-11-05.

Conditions:
Cystic fibrosis (CF). Also called: MUCOVISCIDOSIS. Identifiers: Orphanet 586, MedGen C0010674, MONDO:0009061, OMIM 219700. Disease mechanism: loss of function.

Allele frequency attached by ClinVar (database versions not stated): gnomAD exomes below 0.00001.
gnomAD v4.1: 1 of 1,593,774 alleles (0.000063%); highest among the groups gnomAD compares: Non-Finnish European, 0.000086%; no homozygotes.

Submissions (2):

Labcorp Genetics (formerly Invitae), Labcorp
Classification: Uncertain significance for Cystic fibrosis. Last evaluated: 2024-11-05. Review status: criteria provided, single submitter. Criteria: Invitae Variant Classification Sherloc (09022015). Collection method: clinical testing. Allele origin: germline.
Comment: This sequence change replaces valine, which is neutral and non-polar, with leucine, which is neutral and non-polar, at codon 397 of the CFTR protein (p.Val397Leu). This variant is not present in population databases (gnomAD no frequency). This variant has not been reported in the literature in individuals affected with CFTR-related conditions. ClinVar contains an entry for this variant (Variation ID: 1470640). Invitae Evidence Modeling of protein sequence and biophysical properties (such as structural, functional, and spatial information, amino acid conservation, physicochemical variation, residue mobility, and thermodynamic stability) indicates that this missense variant is expected to disrupt CFTR protein function with a positive predictive value of 80%. In summary, the available evidence is currently insufficient to determine the role of this variant in disease. Therefore, it has been classified as a Variant of Uncertain Significance.

Ambry Genetics
Classification: Uncertain significance for Cystic fibrosis. Last evaluated: 2016-06-18. Review status: criteria provided, single submitter. Criteria: Ambry Variant Classification Scheme 2023. Collection method: clinical testing. Allele origin: germline.
Comment: The p.V397L variant (also known as c.1189G>C), located in coding exon 9 of the CFTR gene, results from a G to C substitution at nucleotide position 1189. The valine at codon 397 is replaced by leucine, an amino acid with highly similar properties. This variant was not reported in population based cohorts in the following databases: Database of Single Nucleotide Polymorphisms (dbSNP), NHLBI Exome Sequencing Project (ESP), and 1000 Genomes Project. In the ESP, this variant was not observed in 6498 samples (12996 alleles) with coverage at this position. This amino acid position is well conserved in available vertebrate species. In addition, the in silico prediction for this alteration is inconclusive. Since supporting evidence is limited at this time, the clinical significance of this variant remains unclear.

NM_000492.4(CFTR):c.1189G>C (p.Val397Leu)

Gene: CFTR (CF transmembrane conductance regulator; plus strand). Cytogenetic location: 7q31.2.
Variant type: single nucleotide variant.
Coding change: c.1189G>C on transcript NM_000492.4 (MANE Select); coding-DNA position 1189, G replaced by C.
Protein change: p.Val397Leu; replaces valine 397 with leucine.
Molecular consequence: missense variant.
Genome position (GRCh38, 1-based): chr7:117,542,088, G>C. VCF-style: chr7-117542088-G-C. GRCh37 (hg19) VCF-style: chr7-117182142-G-C.
Other names: short protein forms V397L.
Identifiers: ClinVar variation 1470640 (VCV001470640.10), dbSNP rs1225700054, ClinGen allele CA368980198.
Genomic context (GRCh38, chr7:117,542,088, plus strand): 5'-AAGCAAGAATATAAGACATTGGAATATAACTTAACGACTACAGAAGTAGTGATGGAGAAT[G>C]TAACAGCCTTCTGGGAGGAGGTCAGAATTTTTAAAAAATTGTTTGCTCTAAACACCTAAC-3'
Protein context (NP_000483.3, residues 387-407): LTTTEVVMEN[Val397Leu]TAFWEEGFGE